The following is an entry in ClinVar:

NM_001278512.2(AP3B2):c.2707G>A (p.Gly903Arg)

Genes: AP3B2 (adaptor related protein complex 3 subunit beta 2; minus strand), CPEB1-AS1 (CPEB1 antisense RNA 1; plus strand). Cytogenetic location: 15q25.2.
Variant type: single nucleotide variant.
Coding change: c.2707G>A on transcript NM_001278512.2 (MANE Select); coding-DNA position 2707, G replaced by A.
Protein change: p.Gly903Arg; replaces glycine 903 with arginine.
Molecular consequence: missense variant.
Genome position (GRCh38, 1-based): chr15:82,662,820, C>T on the plus strand (G>A on the coding strand, the complement: AP3B2 is on the minus strand). VCF-style: chr15-82662820-C-T. GRCh37 (hg19) VCF-style: chr15-83331572-C-T.
Other names: c.2554G>A, p.Gly852Arg (NM_001278511.2); c.2650G>A, p.Gly884Arg (NM_004644.5); short protein forms G852R, G884R, G903R.
Identifiers: ClinVar variation 1462930 (VCV001462930.5), dbSNP rs760395320, ClinGen allele CA7699811.

ClinVar aggregate classification (germline): Uncertain significance (1 of 4 stars; one submission).

Allele frequency attached by ClinVar (database versions not stated): TOPMed 0.00001; gnomAD exomes 0.00002 and 0.00003; ExAC 0.00003.
gnomAD v4.1: 30 of 1,613,694 alleles (0.0019%); highest among the groups gnomAD compares: Non-Finnish European, 0.0022%; no homozygotes.

Submission:

Labcorp Genetics (formerly Invitae), Labcorp
Classification: Uncertain significance. Last evaluated: 2026-01-12. Review status: criteria provided, single submitter. Criteria: Invitae Variant Classification Sherloc (09022015). Collection method: clinical testing. Allele origin: germline.
Comment: This sequence change replaces glycine, which is neutral and non-polar, with arginine, which is basic and polar, at codon 884 of the AP3B2 protein (p.Gly884Arg). This variant is present in population databases (rs760395320, gnomAD 0.01%). This variant has not been reported in the literature in individuals affected with AP3B2-related conditions. ClinVar contains an entry for this variant (Variation ID: 1462930). An algorithm developed to predict the effect of missense changes on protein structure and function (PolyPhen-2) suggests that this variant is likely to be disruptive. Algorithms developed to predict the effect of sequence changes on RNA splicing suggest that this variant may create or strengthen a splice site. In summary, the available evidence is currently insufficient to determine the role of this variant in disease. Therefore, it has been classified as a Variant of Uncertain Significance.